The following is an entry in ClinVar:

ClinVar aggregate classification (germline): Uncertain significance (1 of 4 stars; one submission).

gnomAD v4.1: 2 of 1,614,062 alleles (0.00012%); highest among the groups gnomAD compares: Non-Finnish European, 0.00017%; no homozygotes.

Submission:

Labcorp Genetics (formerly Invitae), Labcorp
Classification: Uncertain significance. Last evaluated: 2024-03-16. Review status: criteria provided, single submitter. Criteria: Invitae Variant Classification Sherloc (09022015). Collection method: clinical testing. Allele origin: germline.
Comment: This sequence change replaces alanine, which is neutral and non-polar, with glycine, which is neutral and non-polar, at codon 388 of the IRF9 protein (p.Ala388Gly). This variant is not present in population databases (gnomAD no frequency). This variant has not been reported in the literature in individuals affected with IRF9-related conditions. An algorithm developed to predict the effect of missense changes on protein structure and function (PolyPhen-2) suggests that this variant is likely to be disruptive. Algorithms developed to predict the effect of sequence changes on RNA splicing suggest that this variant may create or strengthen a splice site. In summary, the available evidence is currently insufficient to determine the role of this variant in disease. Therefore, it has been classified as a Variant of Uncertain Significance.

NM_006084.5(IRF9):c.1163C>G (p.Ala388Gly)

Gene: IRF9 (interferon regulatory factor 9; plus strand). Cytogenetic location: 14q12.
Variant type: single nucleotide variant.
Coding change: c.1163C>G on transcript NM_006084.5 (MANE Select); coding-DNA position 1163, C replaced by G.
Protein change: p.Ala388Gly; replaces alanine 388 with glycine.
Molecular consequence: missense variant.
Genome position (GRCh38, 1-based): chr14:24,166,177, C>G. VCF-style: chr14-24166177-C-G. GRCh37 (hg19) VCF-style: chr14-24635386-C-G.
Other names: c.1317C>G, p.Ser439Arg (NM_001385400.1); c.1190C>G, p.Ala397Gly (NM_001385401.1); c.900C>G, p.Ser300Arg (NM_001385402.1); short protein forms S439R, A397G, S300R, A388G.
Identifiers: ClinVar variation 3685172 (VCV003685172.2).